The following is an entry in ClinVar:

ClinVar aggregate classification (germline): Uncertain significance (1 of 4 stars; one submission).

Submission:

GeneDx
Classification: Uncertain significance. Last evaluated: 2025-06-02. Review status: criteria provided, single submitter. Criteria: GeneDx Variant Classification Process June 2021. Collection method: clinical testing. Allele origin: germline. Affected: yes.
Comment: Not observed at significant frequency in large population cohorts (gnomAD); In silico analysis suggests that this missense variant does not alter protein structure/function; Has not been previously published as pathogenic or benign to our knowledge

NM_198880.3(QRICH1):c.373G>T (p.Val125Phe)

Gene: QRICH1 (glutamine rich 1; minus strand). Cytogenetic location: 3p21.31.
Variant type: single nucleotide variant.
Coding change: c.373G>T on transcript NM_198880.3 (MANE Select); coding-DNA position 373, G replaced by T.
Protein change: p.Val125Phe; replaces valine 125 with phenylalanine.
Molecular consequence: missense variant.
Genome position (GRCh38, 1-based): chr3:49,057,827, C>A on the plus strand (G>T on the coding strand, the complement: QRICH1 is on the minus strand). VCF-style: chr3-49057827-C-A. GRCh37 (hg19) VCF-style: chr3-49095260-C-A.
Other names: c.373G>T, p.Val125Phe (NM_001320580.2, NM_001320581.2, NM_001320582.2 and 4 more transcripts); short protein forms V125F.
Identifiers: ClinVar variation 4536420 (VCV004536420.1).